The following is an entry in ClinVar:

NM_203447.4(DOCK8):c.2970+187A>G

Gene: DOCK8 (dedicator of cytokinesis 8; plus strand). Cytogenetic location: 9p24.3.
Variant type: single nucleotide variant.
Coding change: c.2970+187A>G on transcript NM_203447.4 (MANE Select); 187 bases into the intron after coding-DNA position 2970, A replaced by G.
Molecular consequence: intron variant.
Genome position (GRCh38, 1-based): chr9:390,753, A>G. VCF-style: chr9-390753-A-G. GRCh37 (hg19) VCF-style: chr9-390753-A-G.
Other names: c.2766+187A>G (NM_001193536.2); c.2670+187A>G (NM_001190458.2).
Identifiers: ClinVar variation 676837 (VCV000676837.2), dbSNP rs77599192, ClinGen allele CA187748287.

ClinVar aggregate classification (germline): Benign. Review status: criteria provided, multiple submitters, no conflicts (2 of 4 stars). 2 submissions from 2 submitters: Benign (2). Last evaluated 2018-06-19.

Allele frequency attached by ClinVar (database versions not stated): 1000 Genomes Project 0.03395; 1000 Genomes Project 30x 0.03623; gnomAD 0.03706 and 0.04005; TOPMed 0.04300.
gnomAD v4.1: 5,576 of 152,126 alleles (3.7%); highest among the groups gnomAD compares: African/African-American, 13%; 336 homozygotes.

Submissions (2):

GeneDx
Classification: Benign. Last evaluated: 2018-06-19. Review status: criteria provided, single submitter. Criteria: GeneDx Variant Classification (06012015). Collection method: clinical testing. Allele origin: germline. Affected: yes.
Comment: This variant is considered likely benign or benign based on one or more of the following criteria: it is a conservative change, it occurs at a poorly conserved position in the protein, it is predicted to be benign by multiple in silico algorithms, and/or has population frequency not consistent with disease.

Breakthrough Genomics
Classification: Benign. Review status: criteria provided, single submitter. Criteria: ACMG Guidelines, 2015. Collection method: not provided. Allele origin: germline. Inheritance: Autosomal recessive inheritance. Affected: yes.